The following is an entry in ClinVar:

NM_199420.4(POLQ):c.7369A>C (p.Asn2457His)

Gene: POLQ (DNA polymerase theta; minus strand). Cytogenetic location: 3q13.33.
Variant type: single nucleotide variant.
Coding change: c.7369A>C on transcript NM_199420.4 (MANE Select); coding-DNA position 7369, A replaced by C.
Protein change: p.Asn2457His; replaces asparagine 2457 with histidine.
Molecular consequence: missense variant.
Genome position (GRCh38, 1-based): chr3:121,440,012, T>G on the plus strand (A>C on the coding strand, the complement: POLQ is on the minus strand). VCF-style: chr3-121440012-T-G. GRCh37 (hg19) VCF-style: chr3-121158859-T-G.
Other names: short protein forms N2457H.
Identifiers: ClinVar variation 3230151 (VCV003230151.1), dbSNP rs2546749848, ClinGen allele CA354097816.
Genomic context (GRCh38, chr3:121,440,012, plus strand): 5'-TGAAATGTTAAGTTAAAATTCCTAAAAAATTTCAACATACGTGAGCTTTACGATAAGGGT[T>G]GTTGTCTTTGATTCCTGGCAAATATCTACGCCTTCCCAAAATGGTCTGAACAAATCCGTC-3'
Protein context (NP_955452.3, residues 2447-2467): RRYLPGIKDN[Asn2457His]PYRKAHAERQ

ClinVar aggregate classification (germline): Uncertain significance (1 of 4 stars; one submission).

Submission:

Ambry Genetics
Classification: Uncertain significance. Last evaluated: 2023-10-19. Review status: criteria provided, single submitter. Criteria: Ambry Variant Classification Scheme 2023. Collection method: clinical testing. Allele origin: germline.
Comment: The p.N2457H variant (also known as c.7369A>C), located in coding exon 27 of the POLQ gene, results from an A to C substitution at nucleotide position 7369. The asparagine at codon 2457 is replaced by histidine, an amino acid with similar properties. This amino acid position is conserved. In addition, the in silico prediction for this alteration is inconclusive. Since supporting evidence is limited at this time, the clinical significance of this alteration remains unclear.